The following is an entry in ClinVar:

NM_012463.4(ATP6V0A2):c.1070T>C (p.Met357Thr)

Gene: ATP6V0A2 (ATPase H+ transporting V0 subunit a2; plus strand). Cytogenetic location: 12q24.31.
Variant type: single nucleotide variant.
Coding change: c.1070T>C on transcript NM_012463.4 (MANE Select); coding-DNA position 1070, T replaced by C.
Protein change: p.Met357Thr; replaces methionine 357 with threonine.
Molecular consequence: missense variant.
Genome position (GRCh38, 1-based): chr12:123,743,816, T>C. VCF-style: chr12-123743816-T-C. GRCh37 (hg19) VCF-style: chr12-124228363-T-C.
Other names: short protein forms M357T.
Identifiers: ClinVar variation 1706817 (VCV001706817.7), dbSNP rs768248088, ClinGen allele CA6861833.

ClinVar aggregate classification (germline): Uncertain significance. Review status: criteria provided, multiple submitters, no conflicts (2 of 4 stars). 3 submissions from 3 submitters: Uncertain significance (3). Last evaluated 2025-10-15.

Conditions:
Inborn genetic diseases. Identifiers: MedGen C0950123, MeSH D030342.
ALG9 congenital disorder of glycosylation (CDG1L). Also called: CONGENITAL DISORDER OF GLYCOSYLATION, TYPE Il; ALG9-CDG; CDG Il. Identifiers: Orphanet 79328, MedGen C2931006, MONDO:0012117, OMIM 608776.

Allele frequency attached by ClinVar (database versions not stated): ExAC 0.00002; gnomAD 0.00002; gnomAD exomes 0.00003; TOPMed 0.00004.
gnomAD v4.1: 46 of 1,614,084 alleles (0.0028%); highest among the groups gnomAD compares: Non-Finnish European, 0.0034%; no homozygotes.

Submissions (3):

Ambry Genetics
Classification: Uncertain significance for Inborn genetic diseases. Last evaluated: 2025-10-15. Review status: criteria provided, single submitter. Criteria: Ambry Variant Classification Scheme 2023. Collection method: clinical testing. Allele origin: germline.

Labcorp Genetics (formerly Invitae), Labcorp
Classification: Uncertain significance for ALG9 congenital disorder of glycosylation. Last evaluated: 2024-05-27. Review status: criteria provided, single submitter. Criteria: Invitae Variant Classification Sherloc (09022015). Collection method: clinical testing. Allele origin: germline.
Comment: This sequence change replaces methionine, which is neutral and non-polar, with threonine, which is neutral and polar, at codon 357 of the ATP6V0A2 protein (p.Met357Thr). This variant is present in population databases (rs768248088, gnomAD 0.006%). This variant has not been reported in the literature in individuals affected with ATP6V0A2-related conditions. ClinVar contains an entry for this variant (Variation ID: 1706817). Advanced modeling of protein sequence and biophysical properties (such as structural, functional, and spatial information, amino acid conservation, physicochemical variation, residue mobility, and thermodynamic stability) performed at Invitae indicates that this missense variant is not expected to disrupt ATP6V0A2 protein function with a negative predictive value of 80%. In summary, the available evidence is currently insufficient to determine the role of this variant in disease. Therefore, it has been classified as a Variant of Uncertain Significance.

GeneDx
Classification: Uncertain significance. Last evaluated: 2022-07-26. Review status: criteria provided, single submitter. Criteria: GeneDx Variant Classification Process June 2021. Collection method: clinical testing. Allele origin: germline. Affected: yes.
Comment: Not observed at significant frequency in large population cohorts (gnomAD); In silico analysis supports that this missense variant has a deleterious effect on protein structure/function; Has not been previously published as pathogenic or benign to our knowledge